The following is an entry in ClinVar:

NM_001868.4(CPA1):c.308A>G (p.Gln103Arg)

Gene: CPA1 (carboxypeptidase A1; plus strand). Cytogenetic location: 7q32.2.
Variant type: single nucleotide variant.
Coding change: c.308A>G on transcript NM_001868.4 (MANE Select); coding-DNA position 308, A replaced by G.
Protein change: p.Gln103Arg; replaces glutamine 103 with arginine.
Molecular consequence: missense variant.
Genome position (GRCh38, 1-based): chr7:130,381,790, A>G. VCF-style: chr7-130381790-A-G. GRCh37 (hg19) VCF-style: chr7-130021631-A-G.
Other names: short protein forms Q103R.
Identifiers: ClinVar variation 1727426 (VCV001727426.4), dbSNP rs1387498138, ClinGen allele CA369280274.

ClinVar aggregate classification (germline): Conflicting classifications of pathogenicity. Review status: criteria provided, conflicting classifications (1 of 4 stars). 2 submissions from 2 submitters: Uncertain significance (1); Likely benign (1). Last evaluated 2024-03-21.

Conditions:
Hereditary pancreatitis (PCTT). Also called: Hereditary chronic pancreatitis; PRSS1-Related Hereditary Pancreatitis. Identifiers: Orphanet 676, MedGen C0238339, MONDO:0008185, OMIM 167800.

Allele frequency attached by ClinVar (database versions not stated): TOPMed below 0.00001; gnomAD 0.00001; gnomAD exomes 0.00001.
gnomAD v4.1: 11 of 1,614,000 alleles (0.00068%); highest among the groups gnomAD compares: Admixed American, 0.0017%; no homozygotes.

Submissions (2):

Ambry Genetics
Classification: Likely benign for Hereditary pancreatitis. Last evaluated: 2024-03-21. Review status: criteria provided, single submitter. Criteria: Ambry Variant Classification Scheme 2023. Collection method: clinical testing. Allele origin: germline.

Labcorp Genetics (formerly Invitae), Labcorp
Classification: Uncertain significance. Last evaluated: 2024-03-18. Review status: criteria provided, single submitter. Criteria: Invitae Variant Classification Sherloc (09022015). Collection method: clinical testing. Allele origin: germline.
Comment: This sequence change replaces glutamine, which is neutral and polar, with arginine, which is basic and polar, at codon 103 of the CPA1 protein (p.Gln103Arg). This variant is not present in population databases (gnomAD no frequency). This variant has not been reported in the literature in individuals affected with CPA1-related conditions. ClinVar contains an entry for this variant (Variation ID: 1727426). Advanced modeling of protein sequence and biophysical properties (such as structural, functional, and spatial information, amino acid conservation, physicochemical variation, residue mobility, and thermodynamic stability) performed at Invitae indicates that this missense variant is not expected to disrupt CPA1 protein function with a negative predictive value of 80%. In summary, the available evidence is currently insufficient to determine the role of this variant in disease. Therefore, it has been classified as a Variant of Uncertain Significance.